The following is an entry in ClinVar:

ClinVar aggregate classification (germline): Uncertain significance (1 of 4 stars; one submission).

Allele frequency attached by ClinVar (database versions not stated): TOPMed below 0.00001; gnomAD exomes 0.00001; ExAC 0.00006.
gnomAD v4.1: 11 of 1,561,344 alleles (0.0007%); highest among the groups gnomAD compares: East Asian, 0.0068%; no homozygotes.

Submission:

Labcorp Genetics (formerly Invitae), Labcorp
Classification: Uncertain significance. Last evaluated: 2022-07-05. Review status: criteria provided, single submitter. Criteria: Invitae Variant Classification Sherloc (09022015). Collection method: clinical testing. Allele origin: germline.
Comment: This variant has not been reported in the literature in individuals affected with APC2-related conditions. In summary, the available evidence is currently insufficient to determine the role of this variant in disease. Therefore, it has been classified as a Variant of Uncertain Significance. Algorithms developed to predict the effect of missense changes on protein structure and function output the following: SIFT: "Tolerated"; PolyPhen-2: "Benign"; Align-GVGD: "Class C0". The threonine amino acid residue is found in multiple mammalian species, which suggests that this missense change does not adversely affect protein function. This variant is present in population databases (rs757905133, gnomAD 0.01%). This sequence change replaces alanine, which is neutral and non-polar, with threonine, which is neutral and polar, at codon 1017 of the APC2 protein (p.Ala1017Thr).

NM_005883.3(APC2):c.3049G>A (p.Ala1017Thr)

Gene: APC2 (APC regulator of Wnt signaling pathway 2; plus strand). Cytogenetic location: 19p13.3.
Variant type: single nucleotide variant.
Coding change: c.3049G>A on transcript NM_005883.3 (MANE Select); coding-DNA position 3049, G replaced by A.
Protein change: p.Ala1017Thr; replaces alanine 1017 with threonine.
Molecular consequence: missense variant.
Genome position (GRCh38, 1-based): chr19:1,466,350, G>A. VCF-style: chr19-1466350-G-A. GRCh37 (hg19) VCF-style: chr19-1466349-G-A.
Other names: c.3046G>A, p.Ala1016Thr (NM_001351273.1); short protein forms A1017T, A1016T.
Identifiers: ClinVar variation 2127752 (VCV002127752.4), dbSNP rs757905133, ClinGen allele CA9045614.
Genomic context (GRCh38, chr19:1,466,350, plus strand): 5'-CCTACCTATCAGCACGTGCCACTGCTTGAGGGTGCCTCAAGGGCGGGTGCAGAGCCCCTC[G>A]CGGGGCCTGGAATCTCTCCAGGGGCCCGGAAGCAGGCCTGGCTGCCGGCAGACCACCTGA-3'
Protein context (NP_005874.1, residues 1007-1027): GASRAGAEPL[Ala1017Thr]GPGISPGARK